The following is an entry in ClinVar:

NM_006929.5(SKIC2):c.279C>G (p.Val93=)

Gene: SKIC2 (SKI2 subunit of superkiller complex; plus strand). Cytogenetic location: 6p21.33.
Variant type: single nucleotide variant.
Coding change: c.279C>G on transcript NM_006929.5 (MANE Select); coding-DNA position 279, C replaced by G.
Protein change: p.Val93=; no amino-acid change (valine 93 retained).
Molecular consequence: synonymous variant.
Genome position (GRCh38, 1-based): chr6:31,960,262, C>G. VCF-style: chr6-31960262-C-G. GRCh37 (hg19) VCF-style: chr6-31928039-C-G.
Other names: p.Val93=.
Identifiers: ClinVar variation 356313 (VCV000356313.39), dbSNP rs11541400, ClinGen allele CA3729103.

ClinVar aggregate classification (germline): Benign. Review status: criteria provided, multiple submitters, no conflicts (2 of 4 stars). 4 submissions from 4 submitters: Benign (4). Last evaluated 2026-02-04.

Conditions:
Trichohepatoenteric syndrome 2 (THES2). Identifiers: Orphanet 84064, MedGen C3281289, MONDO:0013818, OMIM 614602.

Allele frequency attached by ClinVar (database versions not stated): ExAC 0.00370; 1000 Genomes Project 30x 0.00390; gnomAD exomes 0.00391; 1000 Genomes Project 0.00439; gnomAD 0.00624 and 0.00655; TOPMed 0.00677; ESP Exome Variant Server 0.00723.
gnomAD v4.1: 10,938 of 1,613,090 alleles (0.68%); highest among the groups gnomAD compares: African/African-American, 1%; 58 homozygotes.

Submissions (4):

Labcorp Genetics (formerly Invitae), Labcorp
Classification: Benign. Last evaluated: 2026-02-04. Review status: criteria provided, single submitter. Criteria: Invitae Variant Classification Sherloc (09022015). Collection method: clinical testing. Allele origin: germline.

CeGaT Center for Human Genetics Tuebingen
Classification: Benign. Last evaluated: 2025-11-01. Review status: criteria provided, single submitter. Criteria: CeGaT Center For Human Genetics Tuebingen Variant Classification Criteria Version 2. Collection method: clinical testing. Allele origin: germline. Affected: yes. Observed: 6 variant alleles.
Comment: SKIC2: BP4, BP7, BS1, BS2

Mayo Clinic Laboratories, Mayo Clinic
Classification: Benign. Last evaluated: 2024-01-02. Review status: criteria provided, single submitter. Criteria: ACMG Guidelines, 2015. Collection method: clinical testing. Allele origin: germline. Observed: 10 variant alleles.
Comment: BS1, BS2, BP4, BP7

Illumina Laboratory Services, Illumina
Classification: Benign for Trichohepatoenteric syndrome 2. Last evaluated: 2018-01-13. Review status: criteria provided, single submitter. Criteria: ICSL Variant Classification Criteria 13 December 2019. Collection method: clinical testing. Allele origin: germline.
Comment: This variant was observed in the ICSL laboratory as part of a predisposition screen in an ostensibly healthy population. It had not been previously curated by ICSL or reported in the Human Gene Mutation Database (HGMD: prior to June 1st, 2018), and was therefore a candidate for classification through an automated scoring system. Utilizing variant allele frequency, disease prevalence and penetrance estimates, and inheritance mode, an automated score was calculated to assess if this variant is too frequent to cause the disease. Based on the score and internal cut-off values, a variant classified as benign is not then subjected to further curation. The score for this variant resulted in a classification of benign for this disease.